The following is an entry in ClinVar:

NM_001004334.4(GPR179):c.1533C>T (p.Gly511=)

Gene: GPR179 (G protein-coupled receptor 179; minus strand). Cytogenetic location: 17q12.
Variant type: single nucleotide variant.
Coding change: c.1533C>T on transcript NM_001004334.4 (MANE Select); coding-DNA position 1533, C replaced by T.
Protein change: p.Gly511=; no amino-acid change (glycine 511 retained).
Molecular consequence: synonymous variant.
Genome position (GRCh38, 1-based): chr17:38,335,145, G>A on the plus strand (C>T on the coding strand, the complement: GPR179 is on the minus strand). VCF-style: chr17-38335145-G-A. GRCh37 (hg19) VCF-style: chr17-36491028-G-A.
Other names: c.1533C>T (NM_001004334.3).
Identifiers: ClinVar variation 888894 (VCV000888894.13), dbSNP rs200421731, ClinGen allele CA290108660.

ClinVar aggregate classification (germline): Conflicting classifications of pathogenicity. Review status: criteria provided, conflicting classifications (1 of 4 stars). 4 submissions from 4 submitters: Uncertain significance (1); Likely benign (3). Last evaluated 2026-03-11.

Conditions:
Congenital stationary night blindness 1E. Also called: Night blindness, congenital stationary (complete), 1E, autosomal recessive. Identifiers: Orphanet 215, MedGen C3281215, MONDO:0013807, OMIM 614565.
GPR179-related disorder. Also called: GPR179-related condition.

Allele frequency attached by ClinVar (database versions not stated): 1000 Genomes Project 30x 0.00016; 1000 Genomes Project 0.00020; TOPMed 0.00036; gnomAD 0.00039 and 0.00042; gnomAD exomes 0.00041; ExAC 0.00060; ESP Exome Variant Server 0.00063.
gnomAD v4.1: 1,010 of 1,592,794 alleles (0.063%); highest among the groups gnomAD compares: East Asian, 0.12%; 1 homozygote.

Submissions (4):

PreventionGenetics, part of Exact Sciences
Classification: Likely benign for GPR179-related condition. Last evaluated: 2026-03-11. Review status: criteria provided, single submitter. Criteria: ACMG Guidelines, 2015. Collection method: clinical testing. Allele origin: germline.
Comment: This variant is classified as likely benign based on ACMG/AMP sequence variant interpretation guidelines (Richards et al. 2015 PMID: 25741868, with internal and published modifications).

Labcorp Genetics (formerly Invitae), Labcorp
Classification: Likely benign. Last evaluated: 2026-01-11. Review status: criteria provided, single submitter. Criteria: Invitae Variant Classification Sherloc (09022015). Collection method: clinical testing. Allele origin: germline.

Blueprint Genetics
Classification: Likely benign. Last evaluated: 2024-10-07. Review status: criteria provided, single submitter. Criteria: ACMG Guidelines, 2015. Collection method: clinical testing. Allele origin: germline.

Illumina Laboratory Services, Illumina
Classification: Uncertain significance for Congenital stationary night blindness 1E. Last evaluated: 2018-01-12. Review status: criteria provided, single submitter. Criteria: ICSL Variant Classification Criteria 13 December 2019. Collection method: clinical testing. Allele origin: germline.